The following is an entry in ClinVar:

NM_001283009.2(RTEL1):c.3790C>T (p.Arg1264Cys)

Genes: RTEL1 (regulator of telomere elongation helicase 1; plus strand), RTEL1-TNFRSF6B (RTEL1-TNFRSF6B readthrough (NMD candidate); plus strand). Cytogenetic location: 20q13.33.
Variant type: single nucleotide variant.
Coding change: c.3790C>T on transcript NM_001283009.2 (MANE Select); coding-DNA position 3790, C replaced by T.
Protein change: p.Arg1264Cys; replaces arginine 1264 with cysteine.
Molecular consequence: missense variant. On other transcripts: non-coding transcript variant (1), intron variant (3).
Genome position (GRCh38, 1-based): chr20:63,695,618, C>T. VCF-style: chr20-63695618-C-T. GRCh37 (hg19) VCF-style: chr20-62326971-C-T.
Other names: c.2983+138C>T (NM_001283010.1); c.3724+138C>T (NM_032957.5); c.3652+138C>T (NM_016434.4); short protein forms R1264C.
Identifiers: ClinVar variation 1331719 (VCV001331719.6), dbSNP rs761902346, ClinGen allele CA9966185.
Genomic context (GRCh38, chr20:63,695,618, plus strand): 5'-TGCCAGGGCTGTGGGGCAGAGGACGTGGTGCCCTTCCAGTGCCCTGCCTGTGACTTCCAG[C>T]GCTGCCAAGCCTGCTGGCAACGGCACCTTCAGGTTGGTGCCTGGCCACTACAGTTCCTGC-3'
Protein context (NP_001269938.1, residues 1254-1274): PFQCPACDFQ[Arg1264Cys]CQACWQRHLQ

ClinVar aggregate classification (germline): Conflicting classifications of pathogenicity. Review status: criteria provided, conflicting classifications (1 of 4 stars). 5 submissions from 5 submitters: Likely pathogenic (1); Uncertain significance (4). Last evaluated 2026-02-11.

Conditions:
Dyskeratosis congenita, autosomal recessive 5 (DKCB5). Identifiers: MedGen C3554656, MONDO:0014076, OMIM 615190.
Pulmonary fibrosis and/or bone marrow failure, Telomere-related, 3. Also called: PULMONARY FIBROSIS AND/OR BONE MARROW FAILURE SYNDROME, TELOMERE-RELATED, 3. Identifiers: Orphanet 2032, MedGen C4225346, MONDO:0014613, OMIM 616373.

Allele frequency attached by ClinVar (database versions not stated): ExAC 0.00001; gnomAD exomes 0.00001; TOPMed 0.00001.

Submissions (5):

GeneDx
Classification: Likely pathogenic. Last evaluated: 2026-02-11. Review status: criteria provided, single submitter. Criteria: GeneDx Variant Classification Process June 2021. Collection method: clinical testing. Allele origin: germline.
Comment: Not observed at significant frequency in large population cohorts (gnomAD); In silico analysis suggests that this variant does not alter splicing; Reported using an alternate transcript of the gene; Has not been previously published as pathogenic or benign to our knowledge; This variant is associated with the following publications: (PMID: 24009516)

Labcorp Genetics (formerly Invitae), Labcorp
Classification: Uncertain significance for Dyskeratosis congenita, autosomal recessive 5; Pulmonary fibrosis and/or bone marrow failure, Telomere-related, 3. Last evaluated: 2026-02-01. Review status: criteria provided, single submitter. Criteria: Invitae Variant Classification Sherloc (09022015). Collection method: clinical testing. Allele origin: germline.
Comment: This sequence change replaces arginine, which is basic and polar, with cysteine, which is neutral and slightly polar, at codon 1264 of the RTEL1 protein (p.Arg1264Cys). The frequency data for this variant in the population databases is considered unreliable, as metrics indicate poor data quality at this position in the gnomAD database. This variant has not been reported in the literature in individuals affected with RTEL1-related conditions. ClinVar contains an entry for this variant (Variation ID: 1331719). An algorithm developed to predict the effect of missense changes on protein structure and function (PolyPhen-2) suggests that this variant is likely to be tolerated. This variant disrupts the p.Arg1264 amino acid residue in RTEL1. Other variant(s) that disrupt this residue have been determined to be pathogenic (PMID: 23453664, 24009516, 25047097, 25099625, 26025130). This suggests that this residue is clinically significant, and that variants that disrupt this residue are likely to be disease-causing. In summary, the available evidence is currently insufficient to determine the role of this variant in disease. Therefore, it has been classified as a Variant of Uncertain Significance.

Fulgent Genetics
Classification: Uncertain significance for Dyskeratosis congenita, autosomal recessive 5; Pulmonary fibrosis and/or bone marrow failure, Telomere-related, 3. Last evaluated: 2024-06-16. Review status: criteria provided, single submitter. Criteria: ACMG Guidelines, 2015. Collection method: clinical testing. Allele origin: germline.

Johns Hopkins Genomics, Johns Hopkins University
Classification: Uncertain significance for Pulmonary fibrosis and/or bone marrow failure, Telomere-related, 3. Last evaluated: 2021-10-20. Review status: criteria provided, single submitter. Criteria: ACMG Guidelines, 2015. Collection method: clinical testing. Allele origin: germline.
Comment: RTEL1 c.3790C>T (rs761902346) is rare (<0.1%) in a large population dataset (gnomAD: 2/247262 total alleles; 0.00081%; no homozygotes) and has not been reported in ClinVar nor the literature, to our knowledge. Two bioinformatic tools queried predict that this substitution would be tolerated. The arginine residue at this position is not highly evolutionarily conserved across the species assessed and a cysteine is present at this position in multiple species. A different missense variant at the same amino acid (p.Arg1264His) has been identified in individuals with autosomal recessive Hoyeraal-Hreidarsson syndrome, a clinically severe variant of dyskeratosis congenita. Heterozygous carriers of p.Arg1264His have been reported to have normal telomere lengths. We consider the clinical significance of RTEL1 c.3790C>T to be uncertain at this time.

Neuberg Centre For Genomic Medicine, NCGM
Classification: Uncertain significance for Pulmonary fibrosis and/or bone marrow failure, Telomere-related, 3. Review status: criteria provided, single submitter. Criteria: ACMG Guidelines, 2015. Collection method: clinical testing. Allele origin: germline. Inheritance: Autosomal dominant inheritance. Affected: yes.
Comment: The missense variant in c.3790C>T in RTEL1 gene has not been reported previously as a pathogenic variant nor as a benign variant, to our knowledge. The p.Arg1264Cys variant is novel (not in any individuals) in 1000 Genomes and has allele frequency of 0.0008% in gnomAD database. This variant has been reported to the ClinVar database as Variant of Uncertain Significance (VUS). The amino acid Arg at position 1264 is changed to a Cys changing protein sequence and it might alter its composition and physico-chemical properties. For these reasons, this variant has been classified as Uncertain Significance (VUS).

Literature cited by the submitters: PubMed 23453664 (cited by Labcorp Genetics (formerly Invitae), Labcorp); PubMed 24009516 (cited by Labcorp Genetics (formerly Invitae), Labcorp and Johns Hopkins Genomics, Johns Hopkins University); PubMed 25047097 (cited by Labcorp Genetics (formerly Invitae), Labcorp); PubMed 25099625 (cited by Labcorp Genetics (formerly Invitae), Labcorp); PubMed 26025130 (cited by Labcorp Genetics (formerly Invitae), Labcorp).